The following is an entry in ClinVar:

ClinVar aggregate classification (germline): Likely benign (1 of 4 stars; one submission).

Allele frequency attached by ClinVar (database versions not stated): gnomAD 0.00002; TOPMed 0.00003.
gnomAD v4.1: 3 of 152,112 alleles (0.002%); highest among the groups gnomAD compares: Admixed American, 0.02%; no homozygotes.

Submission:

Women's Health and Genetics/Laboratory Corporation of America, LabCorp
Classification: Likely benign. Last evaluated: 2020-10-22. Review status: criteria provided, single submitter. Criteria: LabCorp Variant Classification Summary - May 2015. Collection method: clinical testing. Allele origin: germline.
Comment: Variant summary: CFTR c.54-5939G>T is located at a position not widely known to affect splicing. 4/4 computational tools predict no significant impact on normal splicing. However, these predictions have yet to be confirmed by functional studies. The variant allele was found at a frequency of 2.1e-05 in 143220 control chromosomes (gnomAD v3, genomes dataset). The available data on variant occurrences in the general population are insufficient to allow any conclusion about variant significance. To our knowledge, no occurrence of c.54-5939G>T in individuals affected with Cystic Fibrosis and no experimental evidence demonstrating its impact on protein function have been reported. No clinical diagnostic laboratories have submitted clinical-significance assessments for this variant to ClinVar after 2014. Based on the evidence outlined above, the variant was classified as likely benign.

NM_000492.4(CFTR):c.54-5939G>T

Gene: CFTR (CF transmembrane conductance regulator; plus strand). Cytogenetic location: 7q31.2.
Variant type: single nucleotide variant.
Coding change: c.54-5939G>T on transcript NM_000492.4 (MANE Select); 5939 bases into the intron before coding-DNA position 54, G replaced by T.
Molecular consequence: intron variant.
Genome position (GRCh38, 1-based): chr7:117,498,314, G>T. VCF-style: chr7-117498314-G-T. GRCh37 (hg19) VCF-style: chr7-117138368-G-T.
Identifiers: ClinVar variation 984490 (VCV000984490.1), dbSNP rs1486318196, ClinGen allele CA832118774.
Genomic context (GRCh38, chr7:117,498,314, plus strand): 5'-CCCTTGGTAAAATTAAGCCTCATGAACAATTAACTCAAATATACACAAGGCTTGTCTTTA[G>T]CGAGCATATACTCCCTAAAGTTGATTAAGCTGACCAAGTGATTACTGCTTATAAATTCAC-3'